The following is an entry in ClinVar:

ClinVar aggregate classification (germline): Benign/Likely benign. Review status: criteria provided, multiple submitters, no conflicts (2 of 4 stars). 3 submissions from 3 submitters: Benign (1); Likely benign (2). Last evaluated 2026-05-01.

Conditions:
COG4-congenital disorder of glycosylation. Also called: COG4-CDG; CONGENITAL DISORDER OF GLYCOSYLATION, TYPE IIj; CDG IIj. Identifiers: Orphanet 263501, MedGen C4303552, MONDO:0013281, OMIM 613489.

Allele frequency attached by ClinVar (database versions not stated): gnomAD 0.00004; TOPMed 0.00009; gnomAD exomes 0.00012 and 0.00025; ExAC 0.00024.
gnomAD v4.1: 77 of 1,614,076 alleles (0.0048%); highest among the groups gnomAD compares: Admixed American, 0.13%; no homozygotes.

Submissions (3):

CeGaT Center for Human Genetics Tuebingen
Classification: Likely benign. Last evaluated: 2026-05-01. Review status: criteria provided, single submitter. Criteria: CeGaT Center For Human Genetics Tuebingen Variant Classification Criteria Version 2. Collection method: clinical testing. Allele origin: germline. Affected: yes. Observed: 1 variant allele.
Comment: COG4: BP4, BP7

Labcorp Genetics (formerly Invitae), Labcorp
Classification: Benign for COG4-congenital disorder of glycosylation. Last evaluated: 2024-11-21. Review status: criteria provided, single submitter. Criteria: Invitae Variant Classification Sherloc (09022015). Collection method: clinical testing. Allele origin: germline.

GeneDx
Classification: Likely benign. Last evaluated: 2016-06-08. Review status: criteria provided, single submitter. Criteria: GeneDx Variant Classification (06012015). Collection method: clinical testing. Allele origin: germline. Affected: yes.
Comment: This variant is considered likely benign or benign based on one or more of the following criteria: it is a conservative change, it occurs at a poorly conserved position in the protein, it is predicted to be benign by multiple in silico algorithms, and/or has population frequency not consistent with disease.

NM_015386.3(COG4):c.1605A>C (p.Thr535=)

Gene: COG4 (component of oligomeric golgi complex 4; minus strand). Cytogenetic location: 16q22.1.
Variant type: single nucleotide variant.
Coding change: c.1605A>C on transcript NM_015386.3 (MANE Select); coding-DNA position 1605, A replaced by C.
Protein change: p.Thr535=; no amino-acid change (threonine 535 retained).
Molecular consequence: synonymous variant. On other transcripts: non-coding transcript variant (1).
Genome position (GRCh38, 1-based): chr16:70,496,308, T>G on the plus strand (A>C on the coding strand, the complement: COG4 is on the minus strand). VCF-style: chr16-70496308-T-G. GRCh37 (hg19) VCF-style: chr16-70530211-T-G.
Other names: c.1593A>C, p.Thr531= (NM_001195139.2); c.1179A>C, p.Thr393= (NM_001365426.1).
Identifiers: ClinVar variation 320371 (VCV000320371.13), dbSNP rs751237267, ClinGen allele CA8144285.
Genomic context (GRCh38, chr16:70,496,308, plus strand): 5'-GAGCTGTGGGGTACCTACCAGGAAGGACATCTTCGCCTCGTCAGTACTCTCGATGCCTTT[T>G]GTGTCAAATTTGCCTTGCTGGAGGCTGCTGTGCATGATGTTCACGGCACTTGTCACCCCG-3'
Protein context (NP_056201.2, residues 525-545): HSSLQQGKFD[Thr535=]KGIESTDEAK